The following is an entry in ClinVar:

ClinVar aggregate classification (germline): Uncertain significance (1 of 4 stars; one submission).

Submission:

Labcorp Genetics (formerly Invitae), Labcorp
Classification: Uncertain significance. Last evaluated: 2024-10-27. Review status: criteria provided, single submitter. Criteria: Invitae Variant Classification Sherloc (09022015). Collection method: clinical testing. Allele origin: germline.
Comment: This sequence change replaces threonine, which is neutral and polar, with arginine, which is basic and polar, at codon 2125 of the DCHS1 protein (p.Thr2125Arg). This variant is not present in population databases (gnomAD no frequency). This variant has not been reported in the literature in individuals affected with DCHS1-related conditions. Invitae Evidence Modeling of protein sequence and biophysical properties (such as structural, functional, and spatial information, amino acid conservation, physicochemical variation, residue mobility, and thermodynamic stability) indicates that this missense variant is not expected to disrupt DCHS1 protein function with a negative predictive value of 80%. In summary, the available evidence is currently insufficient to determine the role of this variant in disease. Therefore, it has been classified as a Variant of Uncertain Significance.

NM_003737.4(DCHS1):c.6374C>G (p.Thr2125Arg)

Gene: DCHS1 (dachsous cadherin-related 1; minus strand). Cytogenetic location: 11p15.4.
Variant type: single nucleotide variant.
Coding change: c.6374C>G on transcript NM_003737.4 (MANE Select); coding-DNA position 6374, C replaced by G.
Protein change: p.Thr2125Arg; replaces threonine 2125 with arginine.
Molecular consequence: missense variant.
Genome position (GRCh38, 1-based): chr11:6,626,371, G>C on the plus strand (C>G on the coding strand, the complement: DCHS1 is on the minus strand). VCF-style: chr11-6626371-G-C. GRCh37 (hg19) VCF-style: chr11-6647602-G-C.
Other names: short protein forms T2125R.
Identifiers: ClinVar variation 3612819 (VCV003612819.2).